The following is an entry in ClinVar:

NM_024809.5(TCTN2):c.1505+75A>G

Gene: TCTN2 (tectonic family member 2; plus strand). Cytogenetic location: 12q24.31.
Variant type: single nucleotide variant.
Coding change: c.1505+75A>G on transcript NM_024809.5 (MANE Select); 75 bases into the intron after coding-DNA position 1505, A replaced by G.
Molecular consequence: intron variant.
Genome position (GRCh38, 1-based): chr12:123,697,273, A>G. VCF-style: chr12-123697273-A-G. GRCh37 (hg19) VCF-style: chr12-124181820-A-G.
Other names: c.1502+75A>G (NM_001143850.3).
Identifiers: ClinVar variation 675018 (VCV000675018.2), dbSNP rs7979528, ClinGen allele CA13768701.
Genomic context (GRCh38, chr12:123,697,273, plus strand): 5'-GATGAATATATCGGCAATGTGAATGGTTTGCCTAGAATTAATTCACTACATGAATATCAA[A>G]GACAGCATGAATATGAAAAATTAGAGTCAATTAAAATGTGTAAAAGTGATAATAAATACA-3'

ClinVar aggregate classification (germline): Benign. Review status: criteria provided, multiple submitters, no conflicts (2 of 4 stars). 2 submissions from 2 submitters: Benign (2). Last evaluated 2018-06-14.

Allele frequency attached by ClinVar (database versions not stated): 1000 Genomes Project 0.27216; 1000 Genomes Project 30x 0.27686; gnomAD exomes 0.35418; gnomAD 0.35792 and 0.36507; TOPMed 0.35884.
gnomAD v4.1: 373,318 of 1,052,298 alleles (35%); highest among the groups gnomAD compares: African/African-American, 41%; 70,206 homozygotes.

Submissions (2):

GeneDx
Classification: Benign. Last evaluated: 2018-06-14. Review status: criteria provided, single submitter. Criteria: GeneDx Variant Classification (06012015). Collection method: clinical testing. Allele origin: germline. Affected: yes.
Comment: This variant is considered likely benign or benign based on one or more of the following criteria: it is a conservative change, it occurs at a poorly conserved position in the protein, it is predicted to be benign by multiple in silico algorithms, and/or has population frequency not consistent with disease.

Breakthrough Genomics
Classification: Benign. Review status: criteria provided, single submitter. Criteria: ACMG Guidelines, 2015. Collection method: not provided. Allele origin: germline. Inheritance: Autosomal recessive inheritance. Affected: yes.